The following is an entry in ClinVar:

NM_001040424.3(PRDM15):c.1026C>T (p.Thr342=)

Gene: PRDM15 (PR/SET domain 15; minus strand). Cytogenetic location: 21q22.3.
Variant type: single nucleotide variant.
Coding change: c.1026C>T on transcript NM_001040424.3 (MANE Select); coding-DNA position 1026, C replaced by T.
Protein change: p.Thr342=; no amino-acid change (threonine 342 retained).
Molecular consequence: synonymous variant. On other transcripts: non-coding transcript variant (3).
Genome position (GRCh38, 1-based): chr21:41,836,625, G>A on the plus strand (C>T on the coding strand, the complement: PRDM15 is on the minus strand). VCF-style: chr21-41836625-G-A. GRCh37 (hg19) VCF-style: chr21-43256734-G-A.
Other names: c.1026C>T, p.Thr342= (NM_001282934.2); c.1224C>T, p.Thr408= (NM_022115.7).
Identifiers: ClinVar variation 3250733 (VCV003250733.19), dbSNP rs142611293.
Genomic context (GRCh38, chr21:41,836,625, plus strand): 5'-GATGAGCTTGCGCCGGATGCCGTGTCTGCTTGAGAGAATTAAGCTCCTCTTGAGCGTGAT[G>A]GTGTTATTCTGATGATGGGTGAACCTGCCCAGGGACGTCAATAAGTTGGGAAAAGACAGG-3'
Protein context (NP_001035514.2, residues 332-352): VPKFTHHQNN[Thr342=]ITLKRSLILS

ClinVar aggregate classification (germline): Likely benign. Review status: criteria provided, multiple submitters, no conflicts (2 of 4 stars). 2 submissions from 2 submitters: Likely benign (2). Last evaluated 2024-11-19.

Allele frequency attached by ClinVar (database versions not stated): gnomAD exomes 0.00011; ExAC 0.00012; gnomAD 0.00012; TOPMed 0.00012; ESP Exome Variant Server 0.00046.
gnomAD v4.1: 183 of 1,607,310 alleles (0.011%); highest among the groups gnomAD compares: Middle Eastern, 0.15%; no homozygotes.

Submissions (2):

Blueprint Genetics
Classification: Likely benign. Last evaluated: 2024-11-19. Review status: criteria provided, single submitter. Criteria: ACMG Guidelines, 2015. Collection method: clinical testing. Allele origin: germline.

CeGaT Center for Human Genetics Tuebingen
Classification: Likely benign. Last evaluated: 2024-06-01. Review status: criteria provided, single submitter. Criteria: CeGaT Center For Human Genetics Tuebingen Variant Classification Criteria Version 2. Collection method: clinical testing. Allele origin: germline. Affected: yes. Observed: 1 variant allele.
Comment: PRDM15: BP4, BP7